The following is an entry in ClinVar:

NM_001845.6(COL4A1):c.1412A>C (p.Asp471Ala)

Gene: COL4A1 (collagen type IV alpha 1 chain; minus strand). Cytogenetic location: 13q34.
Variant type: single nucleotide variant.
Coding change: c.1412A>C on transcript NM_001845.6 (MANE Select); coding-DNA position 1412, A replaced by C.
Protein change: p.Asp471Ala; replaces aspartic acid 471 with alanine.
Molecular consequence: missense variant.
Genome position (GRCh38, 1-based): chr13:110,192,883, T>G on the plus strand (A>C on the coding strand, the complement: COL4A1 is on the minus strand). VCF-style: chr13-110192883-T-G. GRCh37 (hg19) VCF-style: chr13-110845230-T-G.
Other names: c.1412A>C, p.Asp471Ala (NM_001303110.2); short protein forms D471A.
Identifiers: ClinVar variation 2046378 (VCV002046378.4), dbSNP rs753632629, ClinGen allele CA388723575.
Genomic context (GRCh38, chr13:110,192,883, plus strand): 5'-GTCTTACCTATTTCTCCCGGGGGTCCCTGTGGCCCGGGAGGCCCCCGATATCCGTCTATA[T>G]CACAGATGAGGCAACTCTCTCCTTTTTGACCTAAAAAAGAAAACACAAAGGTGCTTACGT-3'
Protein context (NP_001836.3, residues 461-481): GQKGESCLIC[Asp471Ala]IDGYRGPPGP

ClinVar aggregate classification (germline): Uncertain significance (1 of 4 stars; one submission).

Submission:

Labcorp Genetics (formerly Invitae), Labcorp
Classification: Uncertain significance. Last evaluated: 2022-08-15. Review status: criteria provided, single submitter. Criteria: Invitae Variant Classification Sherloc (09022015). Collection method: clinical testing. Allele origin: germline.
Comment: This sequence change replaces aspartic acid, which is acidic and polar, with alanine, which is neutral and non-polar, at codon 471 of the COL4A1 protein (p.Asp471Ala). This variant is not present in population databases (gnomAD no frequency). In summary, the available evidence is currently insufficient to determine the role of this variant in disease. Therefore, it has been classified as a Variant of Uncertain Significance. Advanced modeling of protein sequence and biophysical properties (such as structural, functional, and spatial information, amino acid conservation, physicochemical variation, residue mobility, and thermodynamic stability) performed at Invitae indicates that this missense variant is not expected to disrupt COL4A1 protein function. This variant has not been reported in the literature in individuals affected with COL4A1-related conditions.